The following is an entry in ClinVar:

ClinVar aggregate classification (germline): Uncertain significance. Review status: criteria provided, multiple submitters, no conflicts (2 of 4 stars). 6 submissions from 6 submitters: Uncertain significance (6). Last evaluated 2026-08-26.

Conditions:
Inborn genetic diseases. Identifiers: MedGen C0950123, MeSH D030342.
Triosephosphate isomerase deficiency (TPID). Also called: Triose phosphate isomerase deficiency. Identifiers: Orphanet 868, MedGen C1860808, MONDO:0014221, OMIM 615512.

Allele frequency attached by ClinVar (database versions not stated): ExAC 0.00005; gnomAD exomes 0.00003; TOPMed 0.00006; gnomAD 0.00007.

Submissions (6):

MVZ Martinsried, Medicover Genetics
Classification: Uncertain significance for Triosephosphate isomerase deficiency. Last evaluated: 2026-08-26. Review status: criteria provided, single submitter. Criteria: ClinGen Variant Curation SOP V3.2 + Classification Guidance July2025. Collection method: clinical testing. Allele origin: inherited. Affected: yes. Observed: 1 homozygote.

Ambry Genetics
Classification: Uncertain significance for Inborn genetic diseases. Last evaluated: 2025-09-05. Review status: criteria provided, single submitter. Criteria: Ambry Variant Classification Scheme 2023. Collection method: clinical testing. Allele origin: germline.

ARUP Laboratories, Molecular Genetics and Genomics, ARUP Laboratories
Classification: Uncertain significance for Triosephosphate isomerase deficiency. Last evaluated: 2025-03-06. Review status: criteria provided, single submitter. Criteria: ARUP Molecular Germline Variant Investigation Process 2024. Collection method: clinical testing. Allele origin: germline.
Comment: The TPI1 c.617G>A; p.Arg206His variant (rs782417309), to our knowledge, is not reported in the medical literature but is reported in ClinVar (Variation ID: 634548). This variant is only observed on eight alleles in the Genome Aggregation Database (v2.1.1), indicating it is not a common polymorphism. Computational analyses predict that this variant is deleterious (REVEL: 0.901). However, given the lack of clinical and functional data, the significance of this variant is uncertain at this time.

Clinical Genetics Laboratory, Skane University Hospital Lund
Classification: Uncertain significance. Last evaluated: 2023-10-04. Review status: criteria provided, single submitter. Criteria: ACMG Guidelines, 2015. Collection method: clinical testing. Allele origin: germline. Affected: yes.

Genomic Research Center, Shahid Beheshti University of Medical Sciences
Classification: Uncertain significance for Triosephosphate isomerase deficiency. Last evaluated: 2019-01-01. Review status: criteria provided, single submitter. Criteria: ACMG Guidelines, 2015. Collection method: clinical testing. Allele origin: unknown. Affected: no. Observed: 1 variant allele.

Illumina Laboratory Services, Illumina
Classification: Uncertain significance for Triosephosphate isomerase deficiency. Last evaluated: 2017-04-28. Review status: criteria provided, single submitter. Criteria: ICSL Variant Classification Criteria 13 December 2019. Collection method: clinical testing. Allele origin: germline.

NM_000365.6(TPI1):c.617G>A (p.Arg206His)

Gene: TPI1 (triosephosphate isomerase 1; plus strand). Cytogenetic location: 12p13.31.
Variant type: single nucleotide variant.
Coding change: c.617G>A on transcript NM_000365.6 (MANE Select); coding-DNA position 617, G replaced by A.
Protein change: p.Arg206His; replaces arginine 206 with histidine.
Molecular consequence: missense variant.
Genome position (GRCh38, 1-based): chr12:6,870,122, G>A. VCF-style: chr12-6870122-G-A. GRCh37 (hg19) VCF-style: chr12-6979286-G-A.
Other names: c.371G>A, p.Arg124His (NM_001258026.2); c.728G>A, p.Arg243His (NM_001159287.1); short protein forms R206H, R243H, R124H.
Identifiers: ClinVar variation 634548 (VCV000634548.12), dbSNP rs782417309, ClinGen allele CA6419008.
Genomic context (GRCh38, chr12:6,870,122, plus strand): 5'-ACGAGAAGCTCCGAGGATGGCTGAAGTCCAACGTCTCTGATGCGGTGGCTCAGAGCACCC[G>A]TATCATTTATGGAGGTGAGTGGCTTTGGTTCCCGGCTGAGGTGGAGTGGGCTGAGGACTA-3'
Protein context (NP_000356.1, residues 196-216): NVSDAVAQST[Arg206His]IIYGGSVTGA